The following is an entry in ClinVar:

ClinVar aggregate classification (germline): Uncertain significance (1 of 4 stars; one submission).

Conditions:
Familial adenomatous polyposis 1 (FAP1). Also called: FAMILIAL ADENOMATOUS POLYPOSIS 1, ATTENUATED; POLYPOSIS, ADENOMATOUS INTESTINAL. Identifiers: MedGen C2713442, MONDO:0021056, OMIM 175100. Disease mechanism: loss of function.

Submission:

Labcorp Genetics (formerly Invitae), Labcorp
Classification: Uncertain significance for Familial adenomatous polyposis 1. Last evaluated: 2021-05-05. Review status: criteria provided, single submitter. Criteria: Invitae Variant Classification Sherloc (09022015). Collection method: clinical testing. Allele origin: germline.
Comment: In summary, the available evidence is currently insufficient to determine the role of this variant in disease. Therefore, it has been classified as a Variant of Uncertain Significance. Experimental studies and prediction algorithms are not available or were not evaluated, and the functional significance of this variant is currently unknown. This variant has not been reported in the literature in individuals with APC-related conditions. The frequency data for this variant in the population databases is considered unreliable, as metrics indicate insufficient coverage at this position in the ExAC database. This variant occurs in a non-coding region of the APC gene. It does not change the encoded amino acid sequence of the APC protein.

NC_000005.10:g.112707337G>A

Gene: APC (APC regulator of Wnt signaling pathway; plus strand). Cytogenetic location: 5q22.2.
Variant type: single nucleotide variant.
Genome position: GRCh38 VCF-style: chr5-112707337-G-A. GRCh37 (hg19) VCF-style: chr5-112043034-G-A.
Identifiers: ClinVar variation 1351621 (VCV001351621.6), dbSNP rs370035028, ClinGen allele CA124924534.